The following is an entry in ClinVar:

NM_025179.4(PLXNA2):c.2587-7C>T

Gene: PLXNA2 (plexin A2; minus strand). Cytogenetic location: 1q32.2.
Variant type: single nucleotide variant.
Coding change: c.2587-7C>T on transcript NM_025179.4 (MANE Select); 7 bases into the intron before coding-DNA position 2587, C replaced by T.
Molecular consequence: intron variant.
Genome position (GRCh38, 1-based): chr1:208,060,844, G>A on the plus strand (C>T on the coding strand, the complement: PLXNA2 is on the minus strand). VCF-style: chr1-208060844-G-A. GRCh37 (hg19) VCF-style: chr1-208234189-G-A.
Identifiers: ClinVar variation 4996394 (VCV004996394.1).

ClinVar aggregate classification (germline): Likely benign (1 of 4 stars; one submission).

Conditions:
PLXNA2-related disorder. Also called: PLXNA2-related condition.

gnomAD v4.1: 2 of 1,613,570 alleles (0.00012%); no homozygotes.

Submission:

PreventionGenetics, part of Exact Sciences
Classification: Likely benign for PLXNA2-related condition. Last evaluated: 2026-04-05. Review status: criteria provided, single submitter. Criteria: ACMG Guidelines, 2015. Collection method: clinical testing. Allele origin: germline.
Comment: This variant is classified as likely benign based on ACMG/AMP sequence variant interpretation guidelines (Richards et al. 2015 PMID: 25741868, with internal and published modifications).